The following is an entry in ClinVar:

ClinVar aggregate classification (germline): Pathogenic/Likely pathogenic. Review status: criteria provided, multiple submitters, no conflicts (2 of 4 stars). 2 submissions from 2 submitters: Pathogenic (1); Likely pathogenic (1). Last evaluated 2023-08-24.

Conditions:
GRACILE syndrome (FLNMS). Also called: FELLMAN SYNDROME; FINNISH LETHAL NEONATAL METABOLIC SYNDROME. Identifiers: Orphanet 53693, MedGen C1864002, MONDO:0011308, OMIM 603358.

Submissions (2):

Labcorp Genetics (formerly Invitae), Labcorp
Classification: Pathogenic. Last evaluated: 2023-08-24. Review status: criteria provided, single submitter. Criteria: Invitae Variant Classification Sherloc (09022015). Collection method: clinical testing. Allele origin: germline.
Comment: For these reasons, this variant has been classified as Pathogenic. This variant disrupts a region of the BCS1L protein in which other variant(s) (p.Arg45His) have been determined to be pathogenic (PMID: 28322498). This suggests that this is a clinically significant region of the protein, and that variants that disrupt it are likely to be disease-causing. This variant has not been reported in the literature in individuals affected with BCS1L-related conditions. This variant is not present in population databases (gnomAD no frequency). This sequence change affects the initiator methionine of the BCS1L mRNA. The next in-frame methionine is located at codon 48.

Women's Health and Genetics/Laboratory Corporation of America, LabCorp
Classification: Likely pathogenic for GRACILE syndrome. Last evaluated: 2023-08-03. Review status: criteria provided, single submitter. Criteria: LabCorp Variant Classification Summary - May 2015. Collection method: clinical testing. Allele origin: germline.
Comment: Variant summary: BCS1L c.1A>T (p.Met1Leu) alters the initiation codon and is predicted to result either in absence of the protein or truncation of the encoded protein due to translation initiation at a downstream codon. The downstream second Met is located at codon 48. The variant was absent in 249840 control chromosomes (gnomAD). The available data on variant occurrences in the general population are insufficient to allow any conclusion about variant significance. To our knowledge, no occurrence of c.1A>T in individuals affected with GRACILE Syndrome and no experimental evidence demonstrating its impact on protein function have been reported. In addition, variants upstream Met48 have been found in patients in HGMD and have been classified as pathogenic in ClinVar database, including c.1A.G (p.Met1Val). No submitters have cited clinical-significance assessments for this variant to ClinVar after 2014. Based on the evidence outlined above, the variant was classified as likely pathogenic.

Literature cited by the submitters: PubMed 28322498 (cited by Labcorp Genetics (formerly Invitae), Labcorp).

NM_001079866.2(BCS1L):c.1A>T (p.Met1Leu)

Gene: BCS1L (BCS1 ubiquinol-cytochrome c reductase complex chaperone; plus strand). Cytogenetic location: 2q35.
Variant type: single nucleotide variant.
Coding change: c.1A>T on transcript NM_001079866.2 (MANE Select); coding-DNA position 1, A replaced by T.
Protein change: p.Met1Leu; changes the start codon (methionine 1).
Molecular consequence: missense variant, initiator codon variant. On other transcripts: 5 prime UTR variant (5), non-coding transcript variant (1), intron variant (3).
Genome position (GRCh38, 1-based): chr2:218,660,988, A>T. VCF-style: chr2-218660988-A-T. GRCh37 (hg19) VCF-style: chr2-219525711-A-T.
Other names: c.1A>T, p.Met1Leu (NM_001257342.2, NM_001257343.2, NM_001257344.2 and 10 more transcripts); c.-476A>T (NM_001371453.1, NM_001371454.1, NM_001371455.1 and 2 more transcripts); c.-41+240A>T (NM_001371451.1); c.-40-418A>T (NM_001318836.2); c.-41-771A>T (NM_001371452.1); short protein forms M1L.
Identifiers: ClinVar variation 2581363 (VCV002581363.4), dbSNP rs2106320484, ClinGen allele CA350624616.